The following is an entry in ClinVar:

NM_014629.4(ARHGEF10):c.990C>A (p.Asp330Glu)

Gene: ARHGEF10 (Rho guanine nucleotide exchange factor 10; plus strand). Cytogenetic location: 8p23.3.
Variant type: single nucleotide variant.
Coding change: c.990C>A on transcript NM_014629.4 (MANE Select); coding-DNA position 990, C replaced by A.
Protein change: p.Asp330Glu; replaces aspartic acid 330 with glutamic acid.
Molecular consequence: missense variant.
Genome position (GRCh38, 1-based): chr8:1,882,664, C>A. VCF-style: chr8-1882664-C-A. GRCh37 (hg19) VCF-style: chr8-1830830-C-A.
Other names: c.876C>A, p.Asp292Glu (NM_001308152.2); c.993C>A, p.Asp331Glu (NM_001308153.3); short protein forms D292E, D330E, D355E, D331E.
Identifiers: ClinVar variation 1678610 (VCV001678610.2), dbSNP rs372309933, ClinGen allele CA369956886.

ClinVar aggregate classification (germline): Uncertain significance (1 of 4 stars; one submission).

Conditions:
Autosomal dominant slowed nerve conduction velocity. Identifiers: Orphanet 140481, MedGen C1842357, MONDO:0011998, OMIM 608236.

gnomAD v4.1: 6 of 1,555,688 alleles (0.00039%); highest among the groups gnomAD compares: Middle Eastern, 0.017%; no homozygotes.

Submission:

Molecular Genetics, Royal Melbourne Hospital
Classification: Uncertain significance for Autosomal dominant slowed nerve conduction velocity. Last evaluated: 2023-03-30. Review status: criteria provided, single submitter. Criteria: ACMG Guidelines, 2015. Collection method: clinical testing. Allele origin: germline.
Comment: This sequence change is predicted to replace aspartic acid with glutamic acid at codon 330 of the ARHGEF10 protein (p.(Asp330Glu)). The aspartic acid residue is not conserved (100 vertebrates, UCSC), and is located in a coiled-coil region. There is a small physicochemical difference between aspartic acid and glutamic acid. The variant is absent in a large population cohort (gnomAD v2.1 and v3.0), and has not been reported in the relevant medical literature or databases. Multiple lines of computational evidence predict a benign effect for the missense substitution (6/6 algorithms). Based on the classification scheme RMH ACMG Guidelines v1.2.1, this variant is classified as a VARIANT OF UNCERTAIN SIGNIFICANCE. Following criteria are met: PM2, BP4.